The following is an entry in ClinVar:

ClinVar aggregate classification (germline): Uncertain significance. Review status: criteria provided, multiple submitters, no conflicts (2 of 4 stars). 3 submissions from 3 submitters: Uncertain significance (3). Last evaluated 2023-12-05.

Conditions:
Lethal congenital glycogen storage disease of heart. Also called: GLYCOGEN STORAGE DISEASE OF HEART; PHOSPHORYLASE KINASE DEFICIENCY OF HEART. Identifiers: Orphanet 439854, MedGen C1849813, MONDO:0009867, OMIM 261740.
Wolff-Parkinson-White pattern. Also called: WPW SYNDROME; Auriculoventricular accessory pathway syndrome; False bundle branch block syndrome; Anomalous ventricular excitation syndrome. Identifiers: MedGen C0043202, MONDO:0008685, OMIM 194200, HP:0001716.
Hypertrophic cardiomyopathy 6. Identifiers: MedGen C1833236, MONDO:0010946, OMIM 600858.
Cardiomyopathy (CMYO). Also called: Cardiomyopathies. Identifiers: Orphanet 167848, MedGen C0878544, MONDO:0004994, HP:0001638. Inheritance: Various modes of inheritance.

Allele frequency attached by ClinVar (database versions not stated): gnomAD below 0.00001 and 0.00001; ExAC 0.00001; gnomAD exomes 0.00001; 1000 Genomes Project 30x 0.00016; 1000 Genomes Project 0.00020.
gnomAD v4.1: 5 of 1,416,656 alleles (0.00035%); highest among the groups gnomAD compares: South Asian, 0.0054%; no homozygotes.

Submissions (3):

Color Diagnostics, LLC DBA Color Health
Classification: Uncertain significance for Cardiomyopathy. Last evaluated: 2023-12-05. Review status: criteria provided, single submitter. Criteria: ACMG Guidelines, 2015. Collection method: clinical testing. Allele origin: germline.
Comment: This missense variant replaces leucine with valine at codon 243 of the PRKAG2 protein. Computational prediction tools and conservation analyses are inconclusive regarding the impact of this variant on the protein function. Computational splicing tools suggest that this variant may not impact RNA splicing. To our knowledge, functional assays have not been performed for this variant nor has this variant been reported in individuals affected with cardiovascular disorders in the literature. This variant has been identified in 2/193974 chromosomes in the general population by the Genome Aggregation Database (gnomAD). Available evidence is insufficient to determine the role of this variant in disease conclusively. Therefore, this variant is classified as a Variant of Uncertain Significance.

Fulgent Genetics
Classification: Uncertain significance for Wolff-Parkinson-White pattern; Lethal congenital glycogen storage disease of heart; Hypertrophic cardiomyopathy 6. Last evaluated: 2021-08-09. Review status: criteria provided, single submitter. Criteria: ACMG Guidelines, 2015. Collection method: clinical testing. Allele origin: unknown.

Labcorp Genetics (formerly Invitae), Labcorp
Classification: Uncertain significance for Lethal congenital glycogen storage disease of heart. Last evaluated: 2020-07-21. Review status: criteria provided, single submitter. Criteria: Invitae Variant Classification Sherloc (09022015). Collection method: clinical testing. Allele origin: germline.
Comment: In summary, the available evidence is currently insufficient to determine the role of this variant in disease. Therefore, it has been classified as a Variant of Uncertain Significance. Advanced modeling of protein sequence and biophysical properties (such as structural, functional, and spatial information, amino acid conservation, physicochemical variation, residue mobility, and thermodynamic stability) performed at Invitae indicates that this missense variant is not expected to disrupt PRKAG2 protein function. This variant has not been reported in the literature in individuals with PRKAG2-related conditions. This variant is present in population databases (rs543247293, ExAC 0.008%). This sequence change replaces leucine with valine at codon 243 of the PRKAG2 protein (p.Leu243Val). The leucine residue is moderately conserved and there is a small physicochemical difference between leucine and valine.

NM_016203.4(PRKAG2):c.727C>G (p.Leu243Val)

Genes: PRKAG2 (protein kinase AMP-activated non-catalytic subunit gamma 2; minus strand), LOC129999660 (ATAC-STARR-seq lymphoblastoid silent region 18823; plus strand). Cytogenetic location: 7q36.1.
Variant type: single nucleotide variant.
Coding change: c.727C>G on transcript NM_016203.4 (MANE Select); coding-DNA position 727, C replaced by G.
Protein change: p.Leu243Val; replaces leucine 243 with valine.
Molecular consequence: missense variant.
Genome position (GRCh38, 1-based): chr7:151,632,096, G>C on the plus strand (C>G on the coding strand, the complement: PRKAG2 is on the minus strand). VCF-style: chr7-151632096-G-C. GRCh37 (hg19) VCF-style: chr7-151329182-G-C.
Other names: c.595C>G, p.Leu199Val (NM_001040633.2); c.355C>G, p.Leu119Val (NM_001304527.2, NM_001363698.2); c.4C>G, p.Leu2Val (NM_001304531.2, NM_024429.2); short protein forms L199V, L243V, L2V, L119V.
Identifiers: ClinVar variation 923868 (VCV000923868.15), dbSNP rs543247293, ClinGen allele CA058166.
Genomic context (GRCh38, chr7:151,632,096, plus strand): 5'-GCGCCGGGCCGGCAGCGGGCGGGGCGCACTCACCTTCGTCCTCGAACTCCAGCTTCTCCA[G>C]CATGCCGGCTTCCGCGGGTCCCAGGGCCGCCGCCAGCGCCGCCTGAGGGGGAGGAGGAGG-3'
Protein context (NP_057287.2, residues 233-253): AALGPAEAGM[Leu243Val]EKLEFEDEAV